The following is an entry in ClinVar:

ClinVar aggregate classification (germline): Uncertain significance (0 of 4 stars; one submission).

Submission:

Genetic Services Laboratory, University of Chicago
Classification: Uncertain significance. Last evaluated: 2022-11-21. Review status: no assertion criteria provided. Collection method: clinical testing. Allele origin: germline. Affected: no.
Comment: DNA sequence analysis of the NEK8 gene demonstrated a sequence change in intron 4, c.618+9A>G. This change does not appear to have been previously described in individuals with NEK8-related disorders and has also not been described in population databases such as ExAC and gnomAD This sequence change is not predicted to have a deleterious effect on splicing based on in-silico splice prediction programs. It is possible that this sequence change represents a benign sequence change in the NEK8 gene that has not been identified to date. The functional significance of this sequence change is not known at present and its contribution to this individual's disease phenotype cannot definitively be determined.

NM_178170.3(NEK8):c.618+9A>G

Gene: NEK8 (NIMA related kinase 8; plus strand). Cytogenetic location: 17q11.2.
Variant type: single nucleotide variant.
Coding change: c.618+9A>G on transcript NM_178170.3 (MANE Select); 9 bases into the intron after coding-DNA position 618, A replaced by G.
Molecular consequence: intron variant.
Genome position (GRCh38, 1-based): chr17:28,735,380, A>G. VCF-style: chr17-28735380-A-G. GRCh37 (hg19) VCF-style: chr17-27062398-A-G.
Identifiers: ClinVar variation 2443187 (VCV002443187.2), dbSNP rs2544439019, ClinGen allele CA2580092748.